The following is an entry in ClinVar:

ClinVar aggregate classification (germline): Likely benign (1 of 4 stars; one submission).

Allele frequency attached by ClinVar (database versions not stated): ExAC 0.00050; gnomAD 0.00109; 1000 Genomes Project 0.00160.

Submission:

CeGaT Center for Human Genetics Tuebingen
Classification: Likely benign. Last evaluated: 2022-11-01. Review status: criteria provided, single submitter. Criteria: CeGaT Center For Human Genetics Tuebingen Variant Classification Criteria Version 2. Collection method: clinical testing. Allele origin: germline. Affected: yes. Observed: 1 variant allele.
Comment: MUC12: BP4, BP7

NM_001164462.2(MUC12):c.2112C>T (p.Ser704=)

Gene: MUC12 (mucin 12, cell surface associated; plus strand). Cytogenetic location: 7q22.1.
Variant type: single nucleotide variant.
Coding change: c.2112C>T on transcript NM_001164462.2 (MANE Select); coding-DNA position 2112, C replaced by T.
Protein change: p.Ser704=; no amino-acid change (serine 704 retained).
Molecular consequence: synonymous variant.
Genome position (GRCh38, 1-based): chr7:100,992,675, C>T. VCF-style: chr7-100992675-C-T. GRCh37 (hg19) VCF-style: chr7-100635956-C-T.
Identifiers: ClinVar variation 2657802 (VCV002657802.24), dbSNP rs566955309, ClinGen allele CA4399260.
Genomic context (GRCh38, chr7:100,992,675, plus strand): 5'-AGAATCTACGACCTACCACAGCAGCCCGGGCTCAACTCAAACAATGCACTTCCCTGAAAG[C>T]GACACAACTTCAGGCCGTGGTGAAGAATCAACAACTTCCCACAGCAGCACAACACACACA-3'
Protein context (NP_001157934.1, residues 694-714): GSTQTMHFPE[Ser704=]DTTSGRGEES